The following is an entry in ClinVar:

NM_001378452.1(ITPR1):c.3759T>C (p.Asn1253=)

Gene: ITPR1 (inositol 1,4,5-trisphosphate receptor type 1; plus strand). Cytogenetic location: 3p26.1.
Variant type: single nucleotide variant.
Coding change: c.3759T>C on transcript NM_001378452.1 (MANE Select); coding-DNA position 3759, T replaced by C.
Protein change: p.Asn1253=; no amino-acid change (asparagine 1253 retained).
Molecular consequence: synonymous variant.
Genome position (GRCh38, 1-based): chr3:4,688,551, T>C. VCF-style: chr3-4688551-T-C. GRCh37 (hg19) VCF-style: chr3-4730235-T-C.
Other names: c.3732T>C, p.Asn1244= (NM_001099952.4); c.3714T>C, p.Asn1238= (NM_001168272.2); c.3687T>C, p.Asn1229= (NM_002222.7); c.3714T>C (NM_001168272.1).
Identifiers: ClinVar variation 1920146 (VCV001920146.6), dbSNP rs2469811237, ClinGen allele CA432306355.

ClinVar aggregate classification (germline): Likely benign. Review status: criteria provided, multiple submitters, no conflicts (2 of 4 stars). 2 submissions from 2 submitters: Likely benign (2). Last evaluated 2025-03-27.

Submissions (2):

Athena Diagnostics
Classification: Likely benign. Last evaluated: 2025-03-27. Review status: criteria provided, single submitter. Criteria: Athena Diagnostics Criteria. Collection method: clinical testing. Allele origin: unknown.
Comment: This variant has not been reported in large, multi-ethnic general populations. Computational tools yielded predictions that this variant is unlikely to have an effect on normal RNA splicing. This nucleotide position exhibits low evolutionary conservation.

Labcorp Genetics (formerly Invitae), Labcorp
Classification: Likely benign. Last evaluated: 2022-09-24. Review status: criteria provided, single submitter. Criteria: Invitae Variant Classification Sherloc (09022015). Collection method: clinical testing. Allele origin: germline.